The following is an entry in ClinVar:

NM_000057.4(BLM):c.1712T>C (p.Met571Thr)

Gene: BLM (BLM RecQ like helicase; plus strand). Cytogenetic location: 15q26.1.
Variant type: single nucleotide variant.
Coding change: c.1712T>C on transcript NM_000057.4 (MANE Select); coding-DNA position 1712, T replaced by C.
Protein change: p.Met571Thr; replaces methionine 571 with threonine.
Molecular consequence: missense variant.
Genome position (GRCh38, 1-based): chr15:90,761,085, T>C. VCF-style: chr15-90761085-T-C. GRCh37 (hg19) VCF-style: chr15-91304315-T-C.
Other names: c.1712T>C, p.Met571Thr (NM_001287246.2, NM_001287247.2); c.587T>C, p.Met196Thr (NM_001287248.2); short protein forms M571T, M196T.
Identifiers: ClinVar variation 133715 (VCV000133715.9), dbSNP rs587778109, ClinGen allele CA157448.
Genomic context (GRCh38, chr15:90,761,085, plus strand): 5'-ATGATATTGATAATTTTGACATAGATGACTTTGATGATGATGATGACTGGGAAGACATAA[T>C]GCATAATTTAGCAGCCAGCAAATCTTCCACAGCTGCCTATCAACCCATCAAGGAAGGTCG-3'
Protein context (NP_000048.1, residues 561-581): FDDDDDWEDI[Met571Thr]HNLAASKSST

ClinVar aggregate classification (germline): Uncertain significance. Review status: criteria provided, single submitter (1 of 4 stars). 2 submissions from 2 submitters: Uncertain significance (1). 1 of the submissions does not count toward it. Last evaluated 2024-11-21.

Conditions:
Bloom syndrome (BLM). Also called: Bloom-Torre-Machacek syndrome. Identifiers: Orphanet 125, MedGen C0005859, MONDO:0008876, OMIM 210900.

Submissions (2):

Labcorp Genetics (formerly Invitae), Labcorp
Classification: Uncertain significance for Bloom syndrome. Last evaluated: 2024-11-21. Review status: criteria provided, single submitter. Criteria: Invitae Variant Classification Sherloc (09022015). Collection method: clinical testing. Allele origin: germline.
Comment: This sequence change replaces methionine, which is neutral and non-polar, with threonine, which is neutral and polar, at codon 571 of the BLM protein (p.Met571Thr). This variant is not present in population databases (gnomAD no frequency). This variant has not been reported in the literature in individuals affected with BLM-related conditions. ClinVar contains an entry for this variant (Variation ID: 133715). Invitae Evidence Modeling of protein sequence and biophysical properties (such as structural, functional, and spatial information, amino acid conservation, physicochemical variation, residue mobility, and thermodynamic stability) indicates that this missense variant is not expected to disrupt BLM protein function with a negative predictive value of 80%. In summary, the available evidence is currently insufficient to determine the role of this variant in disease. Therefore, it has been classified as a Variant of Uncertain Significance.

ITMI
No classification provided. Condition: AllHighlyPenetrant. Last evaluated: 2013-09-19. Review status: no classification provided. Collection method: reference population. Allele origin: germline. Not counted in ClinVar's aggregate classification.
Comment: Please see associated publication for description of ethnicities

Literature cited by the submitters: PubMed 24728327 (cited by ITMI).